The following is an entry in ClinVar:

NM_005413.4(SIX3):c.807-161C>T

Gene: SIX3 (SIX homeobox 3; plus strand). Cytogenetic location: 2p21.
Variant type: single nucleotide variant.
Coding change: c.807-161C>T on transcript NM_005413.4 (MANE Select); 161 bases into the intron before coding-DNA position 807, C replaced by T.
Molecular consequence: intron variant.
Genome position (GRCh38, 1-based): chr2:44,944,407, C>T. VCF-style: chr2-44944407-C-T. GRCh37 (hg19) VCF-style: chr2-45171546-C-T.
Identifiers: ClinVar variation 667598 (VCV000667598.1), dbSNP rs62131236, ClinGen allele CA11184738.
Genomic context (GRCh38, chr2:44,944,407, plus strand): 5'-GGCTCCTCTCCGACTTCTGCTTCTCCAGGGCTTGGCGTACTTTGTCGCTTGCACCCAGGC[C>T]TCCCCAAGCGGCCGGGCTCGGGTTCTGCCTCTCCTCCGAGGCCAGCCTCTATCTGAGAAG-3'

ClinVar aggregate classification (germline): Benign (1 of 4 stars; one submission).

Allele frequency attached by ClinVar (database versions not stated): TOPMed 0.20991; gnomAD 0.21138 and 0.21502; 1000 Genomes Project 30x 0.24094; 1000 Genomes Project 0.24141.

Submission:

GeneDx
Classification: Benign. Last evaluated: 2018-06-14. Review status: criteria provided, single submitter. Criteria: GeneDx Variant Classification (06012015). Collection method: clinical testing. Allele origin: germline. Affected: yes.
Comment: This variant is considered likely benign or benign based on one or more of the following criteria: it is a conservative change, it occurs at a poorly conserved position in the protein, it is predicted to be benign by multiple in silico algorithms, and/or has population frequency not consistent with disease.